The following is an entry in ClinVar:

NM_006031.6(PCNT):c.2301A>C (p.Leu767Phe)

Gene: PCNT (pericentrin; plus strand). Cytogenetic location: 21q22.3.
Variant type: single nucleotide variant.
Coding change: c.2301A>C on transcript NM_006031.6 (MANE Select); coding-DNA position 2301, A replaced by C.
Protein change: p.Leu767Phe; replaces leucine 767 with phenylalanine.
Molecular consequence: missense variant.
Genome position (GRCh38, 1-based): chr21:46,363,626, A>C. VCF-style: chr21-46363626-A-C. GRCh37 (hg19) VCF-style: chr21-47783541-A-C.
Other names: c.1947A>C, p.Leu649Phe (NM_001315529.2); short protein forms L649F, L767F.
Identifiers: ClinVar variation 4997847 (VCV004997847.1).

ClinVar aggregate classification (germline): Uncertain significance (1 of 4 stars; one submission).

Conditions:
PCNT-related disorder. Also called: PCNT-related condition.

gnomAD v4.1: 1 of 1,614,130 alleles (0.000062%); highest among the groups gnomAD compares: Admixed American, 0.0017%; no homozygotes.

Submission:

PreventionGenetics, part of Exact Sciences
Classification: Uncertain significance for PCNT-related condition. Last evaluated: 2024-10-19. Review status: criteria provided, single submitter. Criteria: ACMG Guidelines, 2015. Collection method: clinical testing. Allele origin: germline.
Comment: The PCNT c.2301A>C variant is predicted to result in the amino acid substitution p.Leu767Phe. To our knowledge, this variant has not been reported in the literature or in a large population database (gnomAD), indicating this variant is rare. At this time, the clinical significance of this variant is uncertain due to the absence of conclusive functional and genetic evidence.